The following is an entry in ClinVar:

ClinVar aggregate classification (germline): Conflicting classifications of pathogenicity. Review status: criteria provided, conflicting classifications (1 of 4 stars). 4 submissions from 4 submitters: Likely pathogenic (3); Uncertain significance (1). Last evaluated 2025-05-27.

Conditions:
Familial X-linked hypophosphatemic vitamin D refractory rickets (XLHRD). Also called: Hypophosphatemic Rickets, X-Linked Dominant; Hypophosphatemia, vitamin D-resistant rickets; Vitamin D-resistant rickets, X-linked; X-Linked Hypophosphatemia; HYPOPHOSPHATEMIC VITAMIN D-RESISTANT RICKETS. Identifiers: Orphanet 89936, MedGen C0733682, MONDO:0010619, OMIM 307800.
PHEX-related disorder. Also called: PHEX-related condition.

Submissions (4):

Labcorp Genetics (formerly Invitae), Labcorp
Classification: Likely pathogenic. Last evaluated: 2025-05-27. Review status: criteria provided, single submitter. Criteria: Invitae Variant Classification Sherloc (09022015). Collection method: clinical testing. Allele origin: germline.
Comment: This sequence change replaces threonine, which is neutral and polar, with lysine, which is basic and polar, at codon 461 of the PHEX protein (p.Thr461Lys). This variant is not present in population databases (gnomAD no frequency). This missense change has been observed in individual(s) with clinical features of hypophosphatemic rickets (Internal data). ClinVar contains an entry for this variant (Variation ID: 424615). Invitae Evidence Modeling of protein sequence and biophysical properties (such as structural, functional, and spatial information, amino acid conservation, physicochemical variation, residue mobility, and thermodynamic stability) has been performed for this missense variant. However, the output from this modeling did not meet the statistical confidence thresholds required to predict the impact of this variant on PHEX protein function. This variant disrupts the p.Thr461 amino acid residue in PHEX. Other variant(s) that disrupt this residue have been determined to be pathogenic (internal data). This suggests that this residue is clinically significant, and that variants that disrupt this residue are likely to be disease-causing. In summary, the currently available evidence indicates that the variant is pathogenic, but additional data are needed to prove that conclusively. Therefore, this variant has been classified as Likely Pathogenic.

Blueprint Genetics
Classification: Likely pathogenic for PHEX-related disorders. Last evaluated: 2024-11-25. Review status: criteria provided, single submitter. Criteria: ACMG Guidelines, 2015. Collection method: clinical testing. Allele origin: germline. Affected: yes. Observed: 1 variant allele.

Institute of Human Genetics, University of Leipzig Medical Center
Classification: Likely pathogenic for Familial X-linked hypophosphatemic vitamin D refractory rickets. Last evaluated: 2024-07-22. Review status: criteria provided, single submitter. Criteria: ACMG Guidelines, 2015. Collection method: clinical testing. Allele origin: unknown. Inheritance: X-linked dominant inheritance. Affected: yes.
Comment: Criteria applied: PM2_MOD,PM5,PP3_MOD,PS4_SUP

GeneDx
Classification: Uncertain significance. Last evaluated: 2017-04-04. Review status: criteria provided, single submitter. Criteria: GeneDx Variant Classification (06012015). Collection method: clinical testing. Allele origin: germline. Affected: yes.
Comment: The T461K variant has not been published as a pathogenic variant, nor has it been reported as a benign variant to our knowledge. The variant is not observed in large population cohorts (Lek et al., 2016; 1000 Genomes Consortium et al., 2015; Exome Variant Server). T461K is a semi-conservative amino acid substitution, which may impact secondary protein structure as these residues differ in some properties. This substitution occurs at a position that is conserved across species, and in silico analysis predicts this variant is probably damaging to the protein structure/function. In summary, based on the currently available information, it is unclear whether this variant is a pathogenic variant or a rare benign variant.

NM_000444.6(PHEX):c.1382C>A (p.Thr461Lys)

Gene: PHEX (phosphate regulating endopeptidase X-linked; plus strand). Cytogenetic location: Xp22.11.
Variant type: single nucleotide variant.
Coding change: c.1382C>A on transcript NM_000444.6 (MANE Select); coding-DNA position 1382, C replaced by A.
Protein change: p.Thr461Lys; replaces threonine 461 with lysine.
Molecular consequence: missense variant.
Genome position (GRCh38, 1-based): chrX:22,133,602, C>A. VCF-style: chrX-22133602-C-A. GRCh37 (hg19) VCF-style: chrX-22151719-C-A.
Other names: c.1382C>A, p.Thr461Lys (NM_001282754.2); short protein forms T461K.
Identifiers: ClinVar variation 424615 (VCV000424615.15), dbSNP rs374873766, ClinGen allele CA16621323.